The following is an entry in ClinVar:

NM_006343.3(MERTK):c.2467G>C (p.Glu823Gln)

Gene: MERTK (MER proto-oncogene, tyrosine kinase; plus strand). Cytogenetic location: 2q13.
Variant type: single nucleotide variant.
Coding change: c.2467G>C on transcript NM_006343.3 (MANE Select); coding-DNA position 2467, G replaced by C.
Protein change: p.Glu823Gln; replaces glutamic acid 823 with glutamine.
Molecular consequence: missense variant.
Genome position (GRCh38, 1-based): chr2:112,022,375, G>C. VCF-style: chr2-112022375-G-C. GRCh37 (hg19) VCF-style: chr2-112779952-G-C.
Other names: short protein forms E823Q.
Identifiers: ClinVar variation 851069 (VCV000851069.15), dbSNP rs55924349, ClinGen allele CA1831835.
Genomic context (GRCh38, chr2:112,022,375, plus strand): 5'-GGGGTCCAGAACCATGAGATGTATGACTATCTTCTCCATGGCCACAGGTTGAAGCAGCCC[G>C]AAGACTGCCTGGATGAACTGTGAGTGGGCTTCTCTGTCTCCCTTCCATACTCTGCATGGG-3'
Protein context (NP_006334.2, residues 813-833): LLHGHRLKQP[Glu823Gln]DCLDELYEIM

ClinVar aggregate classification (germline): Conflicting classifications of pathogenicity. Review status: criteria provided, conflicting classifications (1 of 4 stars). 4 submissions from 4 submitters: Uncertain significance (2); Likely benign (2). Last evaluated 2026-01-18.

Conditions:
Retinitis pigmentosa 38 (RP38). Also called: ROD-CONE DYSTROPHY, CHILDHOOD-ONSET. Identifiers: Orphanet 791, MedGen C3151228, MONDO:0013469, OMIM 613862.
Retinitis pigmentosa (RP). Identifiers: Orphanet 791, MedGen C0035334, MeSH D012174, MONDO:0019200, OMIM 268000. Inheritance: Autosomal dominant, autosomal recessive and X linked inheritance.

Allele frequency attached by ClinVar (database versions not stated): ESP Exome Variant Server 0.00092; TOPMed 0.00123.
gnomAD v4.1: 2,739 of 1,614,226 alleles (0.17%); highest among the groups gnomAD compares: Non-Finnish European, 0.21%; 7 homozygotes.

Submissions (4):

Labcorp Genetics (formerly Invitae), Labcorp
Classification: Likely benign. Last evaluated: 2026-01-18. Review status: criteria provided, single submitter. Criteria: Invitae Variant Classification Sherloc (09022015). Collection method: clinical testing. Allele origin: germline.

Blueprint Genetics
Classification: Likely benign. Last evaluated: 2024-11-11. Review status: criteria provided, single submitter. Criteria: ACMG Guidelines, 2015. Collection method: clinical testing. Allele origin: germline.

Department of Pathology and Laboratory Medicine, Sinai Health System
Classification: Uncertain significance for Retinitis pigmentosa 38. Last evaluated: 2021-07-30. Review status: criteria provided, single submitter. Criteria: ACMG Guidelines, 2015. Collection method: research. Allele origin: germline.

Illumina Laboratory Services, Illumina
Classification: Uncertain significance for Retinitis pigmentosa. Last evaluated: 2017-04-27. Review status: criteria provided, single submitter. Criteria: ICSL Variant Classification Criteria 13 December 2019. Collection method: clinical testing. Allele origin: germline.
Comment: This variant was observed as part of a predisposition screen in an ostensibly healthy population. A literature search was performed for the gene, cDNA change, and amino acid change (where applicable). Publications were found based on this search. However, the evidence from the literature, in combination with allele frequency data from public databases where available, was not sufficient to rule this variant in or out of causing disease. Therefore, this variant is classified as a variant of unknown significance.

Literature cited by the submitters: PubMed 22939401 (cited by Illumina Laboratory Services, Illumina).